The following is an entry in ClinVar:

NM_001130987.2(DYSF):c.5784+1G>A

Gene: DYSF (dysferlin; plus strand). Cytogenetic location: 2p13.2.
Variant type: single nucleotide variant.
Coding change: c.5784+1G>A on transcript NM_001130987.2 (MANE Select); the canonical splice donor site of the intron after coding-DNA position 5784, G replaced by A.
Molecular consequence: splice donor variant.
Genome position (GRCh38, 1-based): chr2:71,669,747, G>A. VCF-style: chr2-71669747-G-A. GRCh37 (hg19) VCF-style: chr2-71896877-G-A.
Other names: c.5760+1G>A (NM_001130979.2); c.5781+1G>A (NM_001130981.2); c.5718+1G>A (NM_001130980.2); c.5730+1G>A (NM_001130978.2); c.5667+1G>A (NM_003494.4); c.5688+1G>A (NM_001130977.2); c.5625+1G>A (NM_001130976.2); c.5763+1G>A (NM_001130982.2); and 5 more.
Identifiers: ClinVar variation 553719 (VCV000553719.10), dbSNP rs909564120, ClinGen allele CA49769333.
Genomic context (GRCh38, chr2:71,669,747, plus strand): 5'-AGGTTCATTTTCCCCTTCGACTACCTGCCAGCTGAGCAAGTCTGTACCATTGCCAAGAAG[G>A]TCAGTGTCCTTCCGATTCCCTGTGGTGCCAGCACCAGGGCTTCTAAAGTTAGCCTGACCT-3'

ClinVar aggregate classification (germline): Pathogenic/Likely pathogenic. Review status: criteria provided, multiple submitters, no conflicts (2 of 4 stars). 6 submissions from 6 submitters: Pathogenic (1); Likely pathogenic (4). 1 of the submissions does not count toward it. Last evaluated 2024-06-11.

Conditions:
Neuromuscular disease caused by qualitative or quantitative defects of dysferlin. Also called: Dysferlinopathy; Qualitative or quantitative defects of dysferlin. Identifiers: Orphanet 207073, MedGen C2931687, MONDO:0016145.
Miyoshi muscular dystrophy 1 (MMD1). Identifiers: Orphanet 45448, MedGen C4551973, MONDO:0024545, OMIM 254130.
Autosomal recessive limb-girdle muscular dystrophy type 2B (LGMDR2). Also called: MUSCULAR DYSTROPHY, LIMB-GIRDLE, AUTOSOMAL RECESSIVE 2; Limb-girdle muscular dystrophy, type 2B; Limb-Girdle Muscular Dystrophy Type 2B (LGMD2B); MUSCULAR DYSTROPHY, LIMB-GIRDLE, TYPE 3. Identifiers: Orphanet 268, MedGen C1850889, MONDO:0009676, OMIM 253601.
DYSF-related disorder. Also called: DYSF-related condition; DYSF-related disorders.

Allele frequency attached by ClinVar (database versions not stated): gnomAD exomes below 0.00001; TOPMed below 0.00001; gnomAD 0.00001.
gnomAD v4.1: 3 of 1,614,028 alleles (0.00019%); highest among the groups gnomAD compares: Non-Finnish European, 0.00025%; no homozygotes.

Submissions (6):

Natera, Inc.
Classification: Likely pathogenic for Limb-girdle muscular dystrophy type 2B. Last evaluated: 2024-06-11. Review status: criteria provided, single submitter. Criteria: Natera Variant Classification Schema (03/2026). Collection method: clinical testing. Allele origin: germline.
Comment: The c.5667+1G>A variant in DYSF is a canonical splice donor site variant predicted to affect pre-mRNA splicing, which may result in an abnormal transcript and altered protein product. This variant is expected to result in nonsense mediated decay, truncation, or a dysfunctional protein product. This variant is rare in the general population with a frequency below the threshold expected for the associated phenotype(s). Given the available evidence, this variant is classified as Likely Pathogenic.

Baylor Genetics
Classification: Likely pathogenic for Miyoshi muscular dystrophy 1. Last evaluated: 2023-04-07. Review status: criteria provided, single submitter. Criteria: ACMG Guidelines, 2015. Collection method: clinical testing. Allele origin: unknown.

Labcorp Genetics (formerly Invitae), Labcorp
Classification: Likely pathogenic for Neuromuscular disease caused by qualitative or quantitative defects of dysferlin. Last evaluated: 2023-02-08. Review status: criteria provided, single submitter. Criteria: Invitae Variant Classification Sherloc (09022015). Collection method: clinical testing. Allele origin: germline.
Comment: In summary, the currently available evidence indicates that the variant is pathogenic, but additional data are needed to prove that conclusively. Therefore, this variant has been classified as Likely Pathogenic. Algorithms developed to predict the effect of sequence changes on RNA splicing suggest that this variant may disrupt the consensus splice site. ClinVar contains an entry for this variant (Variation ID: 553719). This variant is also known as c.5784+1G>A. Disruption of this splice site has been observed in individual(s) with clinical features of DYSF-related conditions (PMID: 32528171). This variant is present in population databases (no rsID available, gnomAD 0.0009%). This sequence change affects a donor splice site in intron 50 of the DYSF gene. It is expected to disrupt RNA splicing. Variants that disrupt the donor or acceptor splice site typically lead to a loss of protein function (PMID: 16199547), and loss-of-function variants in DYSF are known to be pathogenic (PMID: 17698709, 20301480).

MGZ Medical Genetics Center
Classification: Likely pathogenic for Autosomal recessive limb-girdle muscular dystrophy type 2B. Last evaluated: 2022-08-03. Review status: criteria provided, single submitter. Criteria: ACMG Guidelines, 2015. Collection method: clinical testing. Allele origin: germline. Affected: yes. Observed: 1 variant allele.
Comment: ACMG criteria applied: PVS1, PM2_SUP

Blueprint Genetics
Classification: Pathogenic for DYSF-related disorders. Last evaluated: 2022-05-06. Review status: criteria provided, single submitter. Criteria: ACMG Guidelines, 2015. Collection method: clinical testing. Allele origin: germline. Affected: yes. Observed: 1 variant allele.

Counsyl
Classification: Likely pathogenic for Autosomal recessive limb-girdle muscular dystrophy type 2B. Last evaluated: 2017-09-05. Review status: no assertion criteria provided. Collection method: clinical testing. Allele origin: unknown. Not counted in ClinVar's aggregate classification.

Literature cited by the submitters: PubMed 32528171 (cited by Labcorp Genetics (formerly Invitae), Labcorp); PubMed 16199547 (cited by Labcorp Genetics (formerly Invitae), Labcorp); PubMed 17698709 (cited by Labcorp Genetics (formerly Invitae), Labcorp); PubMed 20301480 (cited by Labcorp Genetics (formerly Invitae), Labcorp).